The following is an entry in ClinVar:

NM_022081.6(HPS4):c.2041G>A (p.Gly681Ser)

Gene: HPS4 (HPS4 biogenesis of lysosomal organelles complex 3 subunit 2; minus strand). Cytogenetic location: 22q12.1.
Variant type: single nucleotide variant.
Coding change: c.2041G>A on transcript NM_022081.6 (MANE Select); coding-DNA position 2041, G replaced by A.
Protein change: p.Gly681Ser; replaces glycine 681 with serine.
Molecular consequence: missense variant. On other transcripts: non-coding transcript variant (8), intron variant (2).
Genome position (GRCh38, 1-based): chr22:26,453,319, C>T on the plus strand (G>A on the coding strand, the complement: HPS4 is on the minus strand). VCF-style: chr22-26453319-C-T. GRCh37 (hg19) VCF-style: chr22-26849285-C-T.
Other names: c.2041G>A, p.Gly681Ser (NM_001349896.1, NM_001349898.2, NM_001349899.2); c.2095G>A, p.Gly699Ser (NM_001349900.2, NM_001349901.1); c.1799G>A, p.Arg600Gln (NM_001349902.1, NM_001349903.2); c.2026G>A, p.Gly676Ser (NM_152841.2); c.1955+4540G>A (NM_001349905.1, NM_001349904.2); short protein forms G699S, G681S, R600Q, G676S.
Identifiers: ClinVar variation 1512847 (VCV001512847.30), dbSNP rs149568178, ClinGen allele CA10163091.
Genomic context (GRCh38, chr22:26,453,319, plus strand): 5'-GCAGCTTCTGCTTTGCTTTGCCGGAGAGGCTGAAGGCGCCATCCTGAGGGTTTGGGAAGC[C>T]GGAGCTCCGTGCTGCAGGTGCCAGCTGCTGGAAATATGTCTCCTGGATGGGGTTGCAACA-3'
Protein context (NP_071364.4, residues 671-691): QQLAPAARSS[Gly681Ser]FPNPQDGAFS

ClinVar aggregate classification (germline): Uncertain significance. Review status: criteria provided, multiple submitters, no conflicts (2 of 4 stars). 5 submissions from 5 submitters: Uncertain significance (4). 1 of the submissions does not count toward it. Last evaluated 2024-11-27.

Conditions:
Hermansky-Pudlak syndrome 4 (HPS4). Identifiers: Orphanet 231500, Orphanet 79430, MedGen C3484357, MONDO:0013556, OMIM 614073.

Allele frequency attached by ClinVar (database versions not stated): gnomAD 0.00002 and 0.00003; TOPMed 0.00004; gnomAD exomes 0.00008 and 0.00009; ExAC 0.00014; ESP Exome Variant Server 0.00015; 1000 Genomes Project 30x 0.00016; 1000 Genomes Project 0.00020.
gnomAD v4.1: 139 of 1,614,146 alleles (0.0086%); highest among the groups gnomAD compares: Non-Finnish European, 0.011%; no homozygotes.

Submissions (5):

Blueprint Genetics
Classification: Uncertain significance. Last evaluated: 2024-11-27. Review status: criteria provided, single submitter. Criteria: ACMG Guidelines, 2015. Collection method: clinical testing. Allele origin: germline.

CeGaT Center for Human Genetics Tuebingen
Classification: Uncertain significance. Last evaluated: 2024-01-01. Review status: criteria provided, single submitter. Criteria: CeGaT Center For Human Genetics Tuebingen Variant Classification Criteria Version 2. Collection method: clinical testing. Allele origin: germline. Affected: yes. Observed: 1 variant allele.
Comment: HPS4: PM2

Labcorp Genetics (formerly Invitae), Labcorp
Classification: Uncertain significance. Last evaluated: 2022-04-07. Review status: criteria provided, single submitter. Criteria: Invitae Variant Classification Sherloc (09022015). Collection method: clinical testing. Allele origin: germline.
Comment: This sequence change replaces glycine, which is neutral and non-polar, with serine, which is neutral and polar, at codon 681 of the HPS4 protein (p.Gly681Ser). This variant is present in population databases (rs149568178, gnomAD 0.01%). This variant has not been reported in the literature in individuals affected with HPS4-related conditions. Algorithms developed to predict the effect of missense changes on protein structure and function (SIFT, PolyPhen-2, Align-GVGD) all suggest that this variant is likely to be disruptive. In summary, the available evidence is currently insufficient to determine the role of this variant in disease. Therefore, it has been classified as a Variant of Uncertain Significance.

Fulgent Genetics
Classification: Uncertain significance for Hermansky-Pudlak syndrome 4. Last evaluated: 2021-09-27. Review status: criteria provided, single submitter. Criteria: ACMG Guidelines, 2015. Collection method: clinical testing. Allele origin: unknown.

ISTH-SSC Genomics in Thrombosis and Hemostasis, KU Leuven, Center for Molecular and Vascular Biology
Classification: Uncertain significance for Hermansky-Pudlak syndrome 4. Review status: no assertion criteria provided. Collection method: research. Allele origin: unknown. Affected: yes. Not counted in ClinVar's aggregate classification.
Comment: Submitted to GoldVariant by Dr Marie-Christine Morel-Kopp from Northern Blood Research Centre, Sydney, Australia